The following is an entry in ClinVar:

ClinVar aggregate classification (germline): Uncertain significance. Review status: criteria provided, multiple submitters, no conflicts (2 of 4 stars). 2 submissions from 2 submitters: Uncertain significance (2). Last evaluated 2025-08-03.

Conditions:
LEFTY2-related disorder. Also called: LEFTY2-related condition.

Submissions (2):

Ambry Genetics
Classification: Uncertain significance. Last evaluated: 2025-08-03. Review status: criteria provided, single submitter. Criteria: Ambry Variant Classification Scheme 2023. Collection method: clinical testing. Allele origin: germline.

PreventionGenetics, part of Exact Sciences
Classification: Uncertain significance for LEFTY2-related condition. Last evaluated: 2023-05-22. Review status: criteria provided, single submitter. Criteria: ACMG Guidelines, 2015. Collection method: clinical testing. Allele origin: germline.
Comment: The LEFTY2 c.118G>T variant is predicted to result in the amino acid substitution p.Val40Leu. To our knowledge, this variant has not been reported in the literature. This variant is reported in 0.0065% of alleles in individuals of European (Non-Finnish) descent in gnomAD. At this time, the clinical significance of this variant is uncertain due to the absence of conclusive functional and genetic evidence.

NM_003240.5(LEFTY2):c.118G>T (p.Val40Leu)

Gene: LEFTY2 (left-right determination factor 2; minus strand). Cytogenetic location: 1q42.12.
Variant type: single nucleotide variant.
Coding change: c.118G>T on transcript NM_003240.5 (MANE Select); coding-DNA position 118, G replaced by T.
Protein change: p.Val40Leu; replaces valine 40 with leucine.
Molecular consequence: missense variant.
Genome position (GRCh38, 1-based): chr1:225,941,023, C>A on the plus strand (G>T on the coding strand, the complement: LEFTY2 is on the minus strand). VCF-style: chr1-225941023-C-A. GRCh37 (hg19) VCF-style: chr1-226128723-C-A.
Other names: c.118G>T, p.Val40Leu (NM_001172425.3); c.118G>T (NM_003240.3); short protein forms V40L.
Identifiers: ClinVar variation 2632394 (VCV002632394.2), dbSNP rs780132877, ClinGen allele CA345019314.
Genomic context (GRCh38, chr1:225,941,023, plus strand): 5'-GGGCCCTCACGTGGGCGGGGATGACCAGCTTCTCCATGTCGGCCCTGTCCAGTACGGGCA[C>A]CTCGCTGAGCTGCAGCTGCCGCAGCAGGCTGCCCAGGAGCTGCTCCTCGGTCAGGGCCGC-3'
Protein context (NP_003231.2, residues 30-50): SLLRQLQLSE[Val40Leu]PVLDRADMEK